The following is an entry in ClinVar:

NM_006030.4(CACNA2D2):c.271G>A (p.Val91Ile)

Gene: CACNA2D2 (calcium voltage-gated channel auxiliary subunit alpha2delta 2; minus strand). Cytogenetic location: 3p21.31.
Variant type: single nucleotide variant.
Coding change: c.271G>A on transcript NM_006030.4 (MANE Select); coding-DNA position 271, G replaced by A.
Protein change: p.Val91Ile; replaces valine 91 with isoleucine.
Molecular consequence: missense variant.
Genome position (GRCh38, 1-based): chr3:50,476,135, C>T on the plus strand (G>A on the coding strand, the complement: CACNA2D2 is on the minus strand). VCF-style: chr3-50476135-C-T. GRCh37 (hg19) VCF-style: chr3-50513566-C-T.
Other names: c.271G>A, p.Val91Ile (NM_001005505.3, NM_001174051.3); c.64G>A, p.Val22Ile (NM_001291101.1); short protein forms V91I, V22I.
Identifiers: ClinVar variation 416550 (VCV000416550.13), dbSNP rs150190044, ClinGen allele CA2419277.

ClinVar aggregate classification (germline): Benign. Review status: criteria provided, single submitter (1 of 4 stars). 2 submissions from 2 submitters: Benign (1). 1 of the submissions does not count toward it. Last evaluated 2026-01-28.

Conditions:
CACNA2D2-related disorder. Also called: CACNA2D2-related condition.
Early-infantile DEE. Also called: Early infantile epileptic encephalopathy; Ohtahara syndrome; Early infantile epileptic encephalopathy with suppression bursts. Identifiers: Orphanet 1934, MedGen C0393706, MONDO:0800491.

Allele frequency attached by ClinVar (database versions not stated): gnomAD exomes 0.00046; ExAC 0.00101; gnomAD 0.00197 and 0.00205; 1000 Genomes Project 0.00240; TOPMed 0.00241; ESP Exome Variant Server 0.00246; 1000 Genomes Project 30x 0.00250.

Submissions (2):

Labcorp Genetics (formerly Invitae), Labcorp
Classification: Benign for Early-infantile DEE. Last evaluated: 2026-01-28. Review status: criteria provided, single submitter. Criteria: Invitae Variant Classification Sherloc (09022015). Collection method: clinical testing. Allele origin: germline.

PreventionGenetics, part of Exact Sciences
Classification: Likely benign for CACNA2D2-related condition. Last evaluated: 2024-06-13. Review status: no assertion criteria provided. Collection method: clinical testing. Allele origin: germline. Not counted in ClinVar's aggregate classification.
Comment: This variant is classified as likely benign based on ACMG/AMP sequence variant interpretation guidelines (Richards et al. 2015 PMID: 25741868, with internal and published modifications).